The following is an entry in ClinVar:

NM_178014.4(TUBB):c.670G>T (p.Asp224Tyr)

Gene: TUBB (tubulin beta class I; plus strand). Cytogenetic location: 6p21.33.
Variant type: single nucleotide variant.
Coding change: c.670G>T on transcript NM_178014.4 (MANE Select); coding-DNA position 670, G replaced by T.
Protein change: p.Asp224Tyr; replaces aspartic acid 224 with tyrosine.
Molecular consequence: missense variant. On other transcripts: intron variant (1).
Genome position (GRCh38, 1-based): chr6:30,723,732, G>T. VCF-style: chr6-30723732-G-T. GRCh37 (hg19) VCF-style: chr6-30691509-G-T.
Other names: c.730G>T, p.Asp244Tyr (NM_001293212.2); c.538G>T, p.Asp180Tyr (NM_001293214.2); c.454G>T, p.Asp152Tyr (NM_001293215.2, NM_001293216.2); c.369+301G>T (NM_001293213.2); short protein forms D152Y, D180Y, D224Y, D244Y.
Identifiers: ClinVar variation 1709915 (VCV001709915.1), dbSNP rs2536608099, ClinGen allele CA363147969.

ClinVar aggregate classification (germline): Likely pathogenic (1 of 4 stars; one submission).

Conditions:
Complex cortical dysplasia with other brain malformations 6. Identifiers: MedGen C4014283, MONDO:0014341, OMIM 615771.

Submission:

MGZ Medical Genetics Center
Classification: Likely pathogenic for Complex cortical dysplasia with other brain malformations 6. Last evaluated: 2021-07-19. Review status: criteria provided, single submitter. Criteria: ACMG Guidelines, 2015. Collection method: clinical testing. Allele origin: germline. Affected: yes. Observed: 1 variant allele.
Comment: ACMG criteria applied: PS2, PM2_SUP, PP2